The following is an entry in ClinVar:

ClinVar aggregate classification (germline): Uncertain significance (1 of 4 stars; one submission).

Conditions:
Inborn genetic diseases. Identifiers: MedGen C0950123, MeSH D030342.

gnomAD v4.1: 1 of 1,612,064 alleles (0.000062%); no homozygotes.

Submission:

Ambry Genetics
Classification: Uncertain significance for Inborn genetic diseases. Last evaluated: 2024-05-10. Review status: criteria provided, single submitter. Criteria: Ambry Variant Classification Scheme 2023. Collection method: clinical testing. Allele origin: germline.
Comment: The p.Q458E variant (also known as c.1372C>G), located in coding exon 6 of the ATR gene, results from a C to G substitution at nucleotide position 1372. The glutamine at codon 458 is replaced by glutamic acid, an amino acid with highly similar properties. This amino acid position is conserved. In addition, this alteration is predicted to be tolerated by in silico analysis. Based on the available evidence, the clinical significance of this variant remains unclear.

NM_001184.4(ATR):c.1372C>G (p.Gln458Glu)

Gene: ATR (ATR serine/threonine kinase; minus strand). Cytogenetic location: 3q23.
Variant type: single nucleotide variant.
Coding change: c.1372C>G on transcript NM_001184.4 (MANE Select); coding-DNA position 1372, C replaced by G.
Protein change: p.Gln458Glu; replaces glutamine 458 with glutamic acid.
Molecular consequence: missense variant. On other transcripts: intron variant (1).
Genome position (GRCh38, 1-based): chr3:142,560,432, G>C on the plus strand (C>G on the coding strand, the complement: ATR is on the minus strand). VCF-style: chr3-142560432-G-C. GRCh37 (hg19) VCF-style: chr3-142279274-G-C.
Other names: c.1349+811C>G (NM_001354579.2); short protein forms Q458E.
Identifiers: ClinVar variation 3331891 (VCV003331891.1).